The following is an entry in ClinVar:

ClinVar aggregate classification (germline): Uncertain significance. Review status: criteria provided, multiple submitters, no conflicts (2 of 4 stars). 2 submissions from 2 submitters: Uncertain significance (2). Last evaluated 2025-11-07.

Conditions:
Atrioventricular septal defect 5 (AVSD5). Identifiers: MedGen C3280939, MONDO:0013769, OMIM 614474.

Allele frequency attached by ClinVar (database versions not stated): ExAC 0.00003; TOPMed 0.00003; gnomAD 0.00004; gnomAD exomes 0.00005; 1000 Genomes Project 0.00020; 1000 Genomes Project 30x 0.00031.
gnomAD v4.1: 42 of 1,612,992 alleles (0.0026%); highest among the groups gnomAD compares: Admixed American, 0.028%; no homozygotes.

Submissions (2):

Labcorp Genetics (formerly Invitae), Labcorp
Classification: Uncertain significance for Atrioventricular septal defect 5. Last evaluated: 2025-11-07. Review status: criteria provided, single submitter. Criteria: Invitae Variant Classification Sherloc (09022015). Collection method: clinical testing. Allele origin: germline.
Comment: This sequence change replaces arginine, which is basic and polar, with leucine, which is neutral and non-polar, at codon 585 of the GATA6 protein (p.Arg585Leu). This variant is present in population databases (rs201707559, gnomAD 0.03%). This missense change has been observed in individual(s) with atrialfibrillation and septal defects (PMID: 27756709). It has also been observed to segregate with disease in related individuals. ClinVar contains an entry for this variant (Variation ID: 582510). An algorithm developed to predict the effect of missense changes on protein structure and function (PolyPhen-2) suggests that this variant is likely to be disruptive. Experimental studies have shown that this missense change affects GATA6 function (PMID: 27756709). In summary, the available evidence is currently insufficient to determine the role of this variant in disease. Therefore, it has been classified as a Variant of Uncertain Significance.

GeneDx
Classification: Uncertain significance. Last evaluated: 2023-09-26. Review status: criteria provided, single submitter. Criteria: GeneDx Variant Classification Process June 2021. Collection method: clinical testing. Allele origin: germline. Affected: yes.
Comment: Identified in one family with atrial fibrillation and congenital heart defects (Tucker et al., 2017); In silico analysis supports that this missense variant has a deleterious effect on protein structure/function; Published in vitro functional studies suggest this variant results in increased expression of GATA6 target genes, NPPA and aMHC (Tucker et al., 2017); however, additional studies are needed to clarify the effect of this variant in vivo; Identified in one family with atrial fibrillation and congenital heart defects (Tucker et al., 2017); This variant is associated with the following publications: (PMID: 27756709, 27825974)

Literature cited by the submitters: PubMed 27756709 (cited by Labcorp Genetics (formerly Invitae), Labcorp).

NM_005257.6(GATA6):c.1754G>T (p.Arg585Leu)

Gene: GATA6 (GATA binding protein 6; plus strand). Cytogenetic location: 18q11.2.
Variant type: single nucleotide variant.
Coding change: c.1754G>T on transcript NM_005257.6 (MANE Select); coding-DNA position 1754, G replaced by T.
Protein change: p.Arg585Leu; replaces arginine 585 with leucine.
Molecular consequence: missense variant.
Genome position (GRCh38, 1-based): chr18:22,200,789, G>T. VCF-style: chr18-22200789-G-T. GRCh37 (hg19) VCF-style: chr18-19780752-G-T.
Other names: c.1754G>T (NM_005257.4); short protein forms R585L.
Identifiers: ClinVar variation 582510 (VCV000582510.7), dbSNP rs201707559, ClinGen allele CA8909088.